The following is an entry in ClinVar:

ClinVar aggregate classification (germline): Likely benign (1 of 4 stars; one submission).

Submission:

Women's Health and Genetics/Laboratory Corporation of America, LabCorp
Classification: Likely benign. Last evaluated: 2022-12-12. Review status: criteria provided, single submitter. Criteria: LabCorp Variant Classification Summary - May 2015. Collection method: clinical testing. Allele origin: germline.
Comment: Variant summary: ATM c.2125-5_2125-4dupTT is located close to a canonical splice site and therefore could affect mRNA splicing. The variant elongates a polypyrimidine tract and several computational tools predict that it strengthens the canonical splice site, with no expected impact on normal splicing. However, these predictions have yet to be confirmed by functional studies. The variant was absent in 248178 control chromosomes (gnomAD). The available data on variant occurrences in the general population are insufficient to allow any conclusion about variant significance. To our knowledge, no occurrence of c.2125-5_2125-4dupTT in individuals affected with Ataxia-Telangiectasia and no experimental evidence demonstrating its impact on protein function have been reported. No clinical diagnostic laboratories have submitted clinical-significance assessments for this variant to ClinVar after 2014. Based on the evidence outlined above, the variant was classified as likely benign.

NM_000051.4(ATM):c.2125-5_2125-4dup

Gene: ATM (ATM serine/threonine kinase; plus strand). Cytogenetic location: 11q22.3.
Variant type: Duplication.
Coding change: c.2125-5_2125-4dup on transcript NM_000051.4 (MANE Select); 5 bases into the intron before coding-DNA position 2125 through 4 bases into the intron before coding-DNA position 2125, 2 bases duplicated (TT; older notation c.2125-5_2125-4dupTT).
Molecular consequence: intron variant.
Genome position (GRCh38, 1-based): chr11:108,256,210-108,256,211, TT duplicated; duplicating any 2 consecutive bases within chr11:108,256,209-108,256,211 gives the same sequence; the c. name uses the placement nearest the transcript's 3' end. VCF-style (leftmost placement, unchanged base first): chr11-108256208-C-CTT. GRCh37 (hg19) VCF-style: chr11-108126935-C-CTT.
Other names: c.2125-5_2125-4dup (NM_001351834.2).
Identifiers: ClinVar variation 1878276 (VCV001878276.1), dbSNP rs2135391852, ClinGen allele CA2580083302.